The following is an entry in ClinVar:

ClinVar aggregate classification (germline): Conflicting classifications of pathogenicity. Review status: criteria provided, conflicting classifications (1 of 4 stars). 6 submissions from 6 submitters: Uncertain significance (4); Likely benign (2). Last evaluated 2026-05-28.

Conditions:
ATP1A3-related disorder. Also called: ATP1A3-related condition; ATP1A3-related disorders. Identifiers: MedGen CN381097.
Dystonia 12 (DYT12). Also called: DYT-ATP1A3; Rapid-Onset Dystonia-Parkinsonism (RDP). Identifiers: Orphanet 71517, MedGen C1868681, MONDO:0007496, OMIM 128235.
Inborn genetic diseases. Identifiers: MedGen C0950123, MeSH D030342.

Allele frequency attached by ClinVar (database versions not stated): ExAC 0.00001; gnomAD 0.00001; gnomAD exomes 0.00003 and 0.00010; TOPMed 0.00004.

Submissions (6):

PreventionGenetics, part of Exact Sciences
Classification: Uncertain significance for ATP1A3-related condition. Last evaluated: 2026-05-28. Review status: criteria provided, single submitter. Criteria: ACMG Guidelines, 2015. Collection method: clinical testing. Allele origin: germline.
Comment: The ATP1A3 c.167G>A variant is predicted to result in the amino acid substitution p.Arg56Gln. To our knowledge, this variant has not been reported in the literature. This variant is reported in 0.0062% of alleles in individuals of European (Non-Finnish) descent in gnomAD. At this time, the clinical significance of this variant is uncertain due to the absence of conclusive functional and genetic evidence.

Labcorp Genetics (formerly Invitae), Labcorp
Classification: Uncertain significance for Dystonia 12. Last evaluated: 2026-01-31. Review status: criteria provided, single submitter. Criteria: Invitae Variant Classification Sherloc (09022015). Collection method: clinical testing. Allele origin: germline.
Comment: This sequence change replaces arginine, which is basic and polar, with glutamine, which is neutral and polar, at codon 43 of the ATP1A3 protein (p.Arg43Gln). This variant is present in population databases (rs782453913, gnomAD 0.006%). This variant has not been reported in the literature in individuals affected with ATP1A3-related conditions. ClinVar contains an entry for this variant (Variation ID: 845078). Invitae Evidence Modeling of protein sequence and biophysical properties (such as structural, functional, and spatial information, amino acid conservation, physicochemical variation, residue mobility, and thermodynamic stability) has been performed for this missense variant. However, the output from this modeling did not meet the statistical confidence thresholds required to predict the impact of this variant on ATP1A3 protein function. In summary, the available evidence is currently insufficient to determine the role of this variant in disease. Therefore, it has been classified as a Variant of Uncertain Significance.

GeneDx
Classification: Uncertain significance. Last evaluated: 2025-03-12. Review status: criteria provided, single submitter. Criteria: GeneDx Variant Classification Process June 2021. Collection method: clinical testing. Allele origin: germline. Affected: yes.
Comment: In silico analysis indicates that this missense variant does not alter protein structure/function; Has not been previously published as pathogenic or benign to our knowledge

Ambry Genetics
Classification: Likely benign for Inborn genetic diseases. Last evaluated: 2023-12-15. Review status: criteria provided, single submitter. Criteria: Ambry Variant Classification Scheme 2023. Collection method: clinical testing. Allele origin: germline.

CeGaT Center for Human Genetics Tuebingen
Classification: Uncertain significance. Last evaluated: 2023-10-01. Review status: criteria provided, single submitter. Criteria: CeGaT Center For Human Genetics Tuebingen Variant Classification Criteria Version 2. Collection method: clinical testing. Allele origin: germline. Affected: yes. Observed: 1 variant allele.
Comment: ATP1A3: PP2

Blueprint Genetics
Classification: Likely benign. Last evaluated: 2023-08-31. Review status: criteria provided, single submitter. Criteria: ACMG Guidelines, 2015. Collection method: clinical testing. Allele origin: germline.

NM_152296.5(ATP1A3):c.128G>A (p.Arg43Gln)

Gene: ATP1A3 (ATPase Na+/K+ transporting subunit alpha 3; minus strand). Cytogenetic location: 19q13.2.
Variant type: single nucleotide variant.
Coding change: c.128G>A on transcript NM_152296.5 (MANE Select); coding-DNA position 128, G replaced by A.
Protein change: p.Arg43Gln; replaces arginine 43 with glutamine.
Molecular consequence: missense variant.
Genome position (GRCh38, 1-based): chr19:41,988,343, C>T on the plus strand (G>A on the coding strand, the complement: ATP1A3 is on the minus strand). VCF-style: chr19-41988343-C-T. GRCh37 (hg19) VCF-style: chr19-42492495-C-T.
Other names: c.161G>A, p.Arg54Gln (NM_001256213.2); c.167G>A, p.Arg56Gln (NM_001256214.2); c.128G>A (NM_152296.3); c.167G>A (NM_001256214.1); short protein forms R56Q, R43Q, R54Q.
Identifiers: ClinVar variation 845078 (VCV000845078.34), dbSNP rs782453913, ClinGen allele CA9467949.
Genomic context (GRCh38, chr19:41,988,343, plus strand): 5'-AGTTCCCAGGGTCCCAGCCCACAGCCTGGCCACACCTGCACACAGTCTGTGTTGTATTTC[C>T]GGCAGACCTCTTCCACTGACATCTTGTGCTCTGTCTGAGGAACAGGAGTTTGGGGGAGAC-3'
Protein context (NP_689509.1, residues 33-53): EHKMSVEEVC[Arg43Gln]KYNTDCVQGL